The following is an entry in ClinVar:

ClinVar aggregate classification (germline): Conflicting classifications of pathogenicity. Review status: criteria provided, conflicting classifications (1 of 4 stars). 2 submissions from 2 submitters: Uncertain significance (1); Likely benign (1). Last evaluated 2026-06-22.

Conditions:
PKD1L1-related disorder. Also called: PKD1L1-related condition.
Inborn genetic diseases. Identifiers: MedGen C0950123, MeSH D030342.

Allele frequency attached by ClinVar (database versions not stated): TOPMed 0.00001; ExAC 0.00002; gnomAD exomes 0.00002.
gnomAD v4.1: 31 of 1,613,902 alleles (0.0019%); highest among the groups gnomAD compares: Middle Eastern, 0.017%; 1 homozygote.

Submissions (2):

PreventionGenetics, part of Exact Sciences
Classification: Uncertain significance for PKD1L1-related condition. Last evaluated: 2026-06-22. Review status: criteria provided, single submitter. Criteria: ACMG Guidelines, 2015. Collection method: clinical testing. Allele origin: germline.
Comment: The PKD1L1 c.7844G>A variant is predicted to result in the amino acid substitution p.Arg2615Gln. To our knowledge, this variant has not been reported in the literature. This variant is reported in 0.0065% of alleles in individuals of South Asian descent in gnomAD. At this time, the clinical significance of this variant is uncertain due to the absence of conclusive functional and genetic evidence.

Ambry Genetics
Classification: Likely benign for Inborn genetic diseases. Last evaluated: 2023-03-02. Review status: criteria provided, single submitter. Criteria: Ambry Variant Classification Scheme 2023. Collection method: clinical testing. Allele origin: germline.

NM_138295.5(PKD1L1):c.7844G>A (p.Arg2615Gln)

Genes: PKD1L1 (polycystin 1 like 1, transient receptor potential channel interacting; minus strand), PKD1L1-AS1 (PKD1L1 antisense RNA 1; plus strand). Cytogenetic location: 7p12.3.
Variant type: single nucleotide variant.
Coding change: c.7844G>A on transcript NM_138295.5 (MANE Select); coding-DNA position 7844, G replaced by A.
Protein change: p.Arg2615Gln; replaces arginine 2615 with glutamine.
Molecular consequence: missense variant.
Genome position (GRCh38, 1-based): chr7:47,803,328, C>T on the plus strand (G>A on the coding strand, the complement: PKD1L1 is on the minus strand). VCF-style: chr7-47803328-C-T. GRCh37 (hg19) VCF-style: chr7-47842926-C-T.
Other names: short protein forms R2615Q.
Identifiers: ClinVar variation 2462584 (VCV002462584.3), dbSNP rs529846904, ClinGen allele CA4251888.
Genomic context (GRCh38, chr7:47,803,328, plus strand): 5'-GTGTTTTGAATGCCAGGAAGATAGACGCATTTTAATGTGAAGAGGAATAAGAGGATTCCC[C>T]GGAGCCATCGAGCCCTCTGAGACAGAAGAACATAACAGTCAGTGTGCCATGCCAGTCACT-3'
Protein context (NP_612152.1, residues 2605-2625): ASWNQRARWL[Arg2615Gln]GILLFLFTLK